The following is an entry in ClinVar:

NM_000083.3(CLCN1):c.50_434-202del

Gene: CLCN1 (chloride voltage-gated channel 1; plus strand). Cytogenetic location: 7q34.
Variant type: Deletion.
Coding change: c.50_434-202del on transcript NM_000083.3 (MANE Select); coding-DNA position 50 through 202 bases into the intron before coding-DNA position 434, 4,902 bases deleted.
Molecular consequence: splice acceptor variant, splice donor variant.
Genome position (GRCh38, 1-based): chr7:143,316,262-143,321,163, 4,902 bases deleted. GRCh37 (hg19): chr7:143,013,355-143,018,256.
Identifiers: ClinVar variation 580190 (VCV000580190.1), ClinGen allele CA891842573.

ClinVar aggregate classification (germline): Pathogenic (1 of 4 stars; one submission).

Conditions:
Congenital myotonia, autosomal dominant form (THD). Also called: THOMSEN DISEASE; Myotonia congenita autosomal dominant. Identifiers: Orphanet 614, MedGen C2936781, MONDO:0008055, OMIM 160800.
Congenital myotonia, autosomal recessive form. Also called: BECKER DISEASE; Becker Generalized Myotonia; myotonia congenita, autosomal recessive. Identifiers: Orphanet 614, MedGen C0751360, MONDO:0009715, OMIM 255700.

Submission:

Labcorp Genetics (formerly Invitae), Labcorp
Classification: Pathogenic for Congenital myotonia, autosomal recessive form; Congenital myotonia, autosomal dominant form. Last evaluated: 2018-05-25. Review status: criteria provided, single submitter. Criteria: Invitae Variant Classification Sherloc (09022015). Collection method: clinical testing. Allele origin: germline.
Comment: This variant is a gross deletion of the genomic region encompassing exons 2-3 and part of exon 1 (c.50_434-202del) of the CLCN1 gene.Â¬â€  It is expected to disrupt RNA splicing and likely results in an absent or disrupted protein product. This variant has not been reported in the literature in individuals with CLCN1-related disease. The observation of one or more missense substitutions within the deleted region (p.Gln43Arg, p.Asp89Gly, and p.Asp136Gly) in individuals affected with myotonia congenita suggests that this may be a clinically significant region of the CLCN1 protein (PMID: 24349310, 26502825, Invitae database). Loss-of-function variants in CLCN1 are known to be pathogenic (PMID: 17932099, 22094069, 23739125). For these reasons, this variant has been classified as Pathogenic.

Literature cited by the submitters: PubMed 24349310; PubMed 26502825.